The following is an entry in ClinVar:

NM_025132.4(WDR19):c.3633C>G (p.Phe1211Leu)

Gene: WDR19 (WD repeat domain 19; plus strand). Cytogenetic location: 4p14.
Variant type: single nucleotide variant.
Coding change: c.3633C>G on transcript NM_025132.4 (MANE Select); coding-DNA position 3633, C replaced by G.
Protein change: p.Phe1211Leu; replaces phenylalanine 1211 with leucine.
Molecular consequence: missense variant.
Genome position (GRCh38, 1-based): chr4:39,274,875, C>G. VCF-style: chr4-39274875-C-G. GRCh37 (hg19) VCF-style: chr4-39276495-C-G.
Other names: c.3153C>G, p.Phe1051Leu (NM_001317924.2); short protein forms F1051L, F1211L.
Identifiers: ClinVar variation 1425867 (VCV001425867.8), dbSNP rs757721845, ClinGen allele CA2892436.

ClinVar aggregate classification (germline): Uncertain significance (1 of 4 stars; one submission).

Conditions:
Asphyxiating thoracic dystrophy 5 (SRTD5). Also called: SHORT-RIB THORACIC DYSPLASIA 5 WITH OR WITHOUT POLYDACTYLY; SHORT-RIB THORACIC DYSPLASIA 5 WITHOUT POLYDACTYLY. Identifiers: Orphanet 474, MedGen C3280598, MONDO:0013717, OMIM 614376.
Senior-Loken syndrome 8 (SLSN8). Identifiers: Orphanet 3156, MedGen C4225376, MONDO:0014579, OMIM 616307.

Allele frequency attached by ClinVar (database versions not stated): gnomAD exomes 0.00001 and 0.00003; ExAC 0.00004.
gnomAD v4.1: 17 of 1,614,046 alleles (0.0011%); highest among the groups gnomAD compares: South Asian, 0.019%; no homozygotes.

Submission:

Labcorp Genetics (formerly Invitae), Labcorp
Classification: Uncertain significance for Senior-Loken syndrome 8; Asphyxiating thoracic dystrophy 5. Last evaluated: 2025-03-17. Review status: criteria provided, single submitter. Criteria: Invitae Variant Classification Sherloc (09022015). Collection method: clinical testing. Allele origin: germline.
Comment: This sequence change replaces phenylalanine, which is neutral and non-polar, with leucine, which is neutral and non-polar, at codon 1211 of the WDR19 protein (p.Phe1211Leu). This variant is present in population databases (rs757721845, gnomAD 0.02%). This variant has not been reported in the literature in individuals affected with WDR19-related conditions. ClinVar contains an entry for this variant (Variation ID: 1425867). Invitae Evidence Modeling of protein sequence and biophysical properties (such as structural, functional, and spatial information, amino acid conservation, physicochemical variation, residue mobility, and thermodynamic stability) indicates that this missense variant is not expected to disrupt WDR19 protein function with a negative predictive value of 80%. In summary, the available evidence is currently insufficient to determine the role of this variant in disease. Therefore, it has been classified as a Variant of Uncertain Significance.